The following is an entry in ClinVar:

NM_178554.6(KY):c.642del (p.Thr215fs)

Genes: KY (kyphoscoliosis peptidase; minus strand), CEP63 (centrosomal protein 63; plus strand). Cytogenetic location: 3q22.2.
Variant type: Deletion.
Coding change: c.642del on transcript NM_178554.6 (MANE Select); coding-DNA position 642, one base deleted (C; older notation c.642delC).
Protein change: p.Thr215fs; shifts the reading frame from threonine 215.
Molecular consequence: frameshift variant.
Genome position (GRCh38, 1-based): chr3:134,619,216, G deleted on the plus strand (C on the coding strand, the reverse complement: KY is on the minus strand); the first of 3 consecutive G bases (chr3:134,619,216-134,619,218); deleting any one gives the same sequence. VCF-style (leftmost placement, unchanged base first): chr3-134619215-TG-T. GRCh37 (hg19) VCF-style: chr3-134338057-TG-T.
Other names: c.594del, p.Thr199fs (NM_001350859.2); c.516del, p.Thr173fs (NM_001350860.2); c.579del, p.Thr194fs (NM_001366276.1); c.642del, p.Thr215fs (NM_001366277.2); short protein forms T173fs, T194fs, T199fs, T215fs.
Identifiers: ClinVar variation 4849338 (VCV004849338.2).

ClinVar aggregate classification (germline): Likely pathogenic. Review status: criteria provided, multiple submitters, no conflicts (2 of 4 stars). 2 submissions from 2 submitters: Likely pathogenic (2). Last evaluated 2025-07-28.

Conditions:
Myofibrillar myopathy 7. Identifiers: MedGen C4310711, MONDO:0014922, OMIM 617114.
KY-related disorder. Also called: KY-related condition.

Submissions (2):

First Genomix Gene Laboratory, Genetic Diagnostics Department
Classification: Likely pathogenic for Myofibrillar myopathy 7. Last evaluated: 2025-07-28. Review status: criteria provided, single submitter. Criteria: ACMG Guidelines, 2015. Collection method: clinical testing. Allele origin: germline. Inheritance: Autosomal recessive inheritance. Affected: no. Observed: 1 variant allele.

PreventionGenetics, part of Exact Sciences
Classification: Likely pathogenic for KY-related condition. Last evaluated: 2025-07-10. Review status: criteria provided, single submitter. Criteria: ACMG Guidelines, 2015. Collection method: clinical testing. Allele origin: germline.
Comment: The KY c.642delC variant is predicted to result in a frameshift and premature protein termination (p.Thr215Leufs*30). To our knowledge, this variant has not been reported in the literature or in a large population database (gnomAD), indicating this variant is rare. Frameshift variants in KY are expected to be pathogenic. This variant is interpreted as likely pathogenic.